The following is an entry in ClinVar:

ClinVar aggregate classification (germline): Uncertain significance. Review status: criteria provided, multiple submitters, no conflicts (2 of 4 stars). 2 submissions from 2 submitters: Uncertain significance (2). Last evaluated 2025-10-07.

Conditions:
Inborn genetic diseases. Identifiers: MedGen C0950123, MeSH D030342.

Allele frequency attached by ClinVar (database versions not stated): TOPMed below 0.00001; gnomAD exomes 0.00001.
gnomAD v4.1: 12 of 1,614,200 alleles (0.00074%); highest among the groups gnomAD compares: Non-Finnish European, 0.001%; no homozygotes.

Submissions (2):

Ambry Genetics
Classification: Uncertain significance for Inborn genetic diseases. Last evaluated: 2025-10-07. Review status: criteria provided, single submitter. Criteria: Ambry Variant Classification Scheme 2023. Collection method: clinical testing. Allele origin: germline.

Labcorp Genetics (formerly Invitae), Labcorp
Classification: Uncertain significance. Last evaluated: 2021-05-28. Review status: criteria provided, single submitter. Criteria: Invitae Variant Classification Sherloc (09022015). Collection method: clinical testing. Allele origin: germline.
Comment: In summary, the available evidence is currently insufficient to determine the role of this variant in disease. Therefore, it has been classified as a Variant of Uncertain Significance. Algorithms developed to predict the effect of missense changes on protein structure and function output the following: SIFT: "Tolerated"; PolyPhen-2: "Benign"; Align-GVGD: "Class C0". The alanine amino acid residue is found in multiple mammalian species, suggesting that this missense change does not adversely affect protein function. These predictions have not been confirmed by published functional studies and their clinical significance is uncertain. This sequence change replaces glutamic acid with alanine at codon 457 of the RBBP8 protein (p.Glu457Ala). The glutamic acid residue is moderately conserved and there is a moderate physicochemical difference between glutamic acid and alanine. This variant is not present in population databases (ExAC no frequency). This variant has not been reported in the literature in individuals with RBBP8-related conditions.

NM_002894.3(RBBP8):c.1370A>C (p.Glu457Ala)

Gene: RBBP8 (RB binding protein 8, endonuclease; plus strand). Cytogenetic location: 18q11.2.
Variant type: single nucleotide variant.
Coding change: c.1370A>C on transcript NM_002894.3 (MANE Select); coding-DNA position 1370, A replaced by C.
Protein change: p.Glu457Ala; replaces glutamic acid 457 with alanine.
Molecular consequence: missense variant.
Genome position (GRCh38, 1-based): chr18:22,993,197, A>C. VCF-style: chr18-22993197-A-C. GRCh37 (hg19) VCF-style: chr18-20573160-A-C.
Other names: c.1370A>C, p.Glu457Ala (NM_203291.2, NM_203292.2); c.1370A>C (NM_002894.2); short protein forms E457A.
Identifiers: ClinVar variation 1397743 (VCV001397743.9), dbSNP rs1326405477, ClinGen allele CA401777459.